The following is an entry in ClinVar:

ClinVar aggregate classification (germline): Uncertain significance (1 of 4 stars; one submission).

gnomAD v4.1: 3 of 1,612,622 alleles (0.00019%); highest among the groups gnomAD compares: Non-Finnish European, 0.00025%; no homozygotes.

Submission:

Labcorp Genetics (formerly Invitae), Labcorp
Classification: Uncertain significance. Last evaluated: 2023-03-14. Review status: criteria provided, single submitter. Criteria: Invitae Variant Classification Sherloc (09022015). Collection method: clinical testing. Allele origin: germline.
Comment: In summary, the available evidence is currently insufficient to determine the role of this variant in disease. Therefore, it has been classified as a Variant of Uncertain Significance. Algorithms developed to predict the effect of missense changes on protein structure and function output the following: SIFT: "Not Available"; PolyPhen-2: "Benign"; Align-GVGD: "Not Available". The valine amino acid residue is found in multiple mammalian species, which suggests that this missense change does not adversely affect protein function. This variant has not been reported in the literature in individuals affected with IMPG1-related conditions. The frequency data for this variant in the population databases is considered unreliable, as metrics indicate poor data quality at this position in the gnomAD database. This sequence change replaces alanine, which is neutral and non-polar, with valine, which is neutral and non-polar, at codon 386 of the IMPG1 protein (p.Ala386Val).

NM_001563.4(IMPG1):c.1157C>T (p.Ala386Val)

Gene: IMPG1 (interphotoreceptor matrix proteoglycan 1; minus strand). Cytogenetic location: 6q14.1.
Variant type: single nucleotide variant.
Coding change: c.1157C>T on transcript NM_001563.4 (MANE Select); coding-DNA position 1157, C replaced by T.
Protein change: p.Ala386Val; replaces alanine 386 with valine.
Molecular consequence: missense variant.
Genome position (GRCh38, 1-based): chr6:76,003,929, G>A on the plus strand (C>T on the coding strand, the complement: IMPG1 is on the minus strand). VCF-style: chr6-76003929-G-A. GRCh37 (hg19) VCF-style: chr6-76713646-G-A.
Other names: c.923C>T, p.Ala308Val (NM_001282368.2); short protein forms A386V, A308V.
Identifiers: ClinVar variation 2807369 (VCV002807369.3), dbSNP rs144437882, ClinGen allele CA364771323.
Genomic context (GRCh38, chr6:76,003,929, plus strand): 5'-CTTACCTCTGTTATAACAGCAAAAGATGTGGGCAGCTCTGATTGGGTGTCAGGACCAAAG[G>A]CTGGCAGTGATCCAGCAATTTCTATGGGTAAAAAATCACAAGATTTGAATGTATCTTTCC-3'
Protein context (NP_001554.2, residues 376-396): FTDEIAGSLP[Ala386Val]FGPDTQSELP